The following is an entry in ClinVar:

NM_000199.5(SGSH):c.1030A>G (p.Thr344Ala)

Gene: SGSH (N-sulfoglucosamine sulfohydrolase; minus strand). Cytogenetic location: 17q25.3.
Variant type: single nucleotide variant.
Coding change: c.1030A>G on transcript NM_000199.5 (MANE Select); coding-DNA position 1030, A replaced by G.
Protein change: p.Thr344Ala; replaces threonine 344 with alanine.
Molecular consequence: missense variant. On other transcripts: 3 prime UTR variant (2), non-coding transcript variant (1).
Genome position (GRCh38, 1-based): chr17:80,210,931, T>C on the plus strand (A>G on the coding strand, the complement: SGSH is on the minus strand). VCF-style: chr17-80210931-T-C. GRCh37 (hg19) VCF-style: chr17-78184730-T-C.
Other names: p.Thr344Ala; c.*117A>G (NM_001352921.3); c.*80A>G (NM_001352922.2); short protein forms T344A.
Identifiers: ClinVar variation 4542227 (VCV004542227.1).

ClinVar aggregate classification (germline): Uncertain significance (1 of 4 stars; one submission).

gnomAD v4.1: 3 of 1,607,282 alleles (0.00019%); highest among the groups gnomAD compares: African/African-American, 0.0013%; no homozygotes.

Submission:

Mayo Clinic Laboratories, Mayo Clinic
Classification: Uncertain significance. Last evaluated: 2025-12-10. Review status: criteria provided, single submitter. Criteria: ACMG Guidelines, 2015. Collection method: clinical testing. Allele origin: germline. Observed: 1 variant allele.
Comment: PP3